The following is an entry in ClinVar:

NM_001406801.1(MSH6):c.3705-4dup

Gene: MSH6 (mutS homolog 6; plus strand). Cytogenetic location: 2p16.3.
Variant type: Duplication.
Coding change: c.3705-4dup on transcript NM_001406801.1; 4 bases into the intron before coding-DNA position 3705, one base duplicated (G; older notation c.3705-4dupG).
Molecular consequence: intron variant.
Genome position (GRCh38, 1-based): chr2:47,806,780, G duplicated; the last of 3 consecutive G bases (chr2:47,806,778-47,806,780); duplicating any one gives the same sequence. VCF-style (leftmost placement, unchanged base first): chr2-47806777-A-AG. GRCh37 (hg19) VCF-style: chr2-48033916-A-AG.
Other names: c.3705-4dup (NM_001406822.1); c.4002-4dup (NM_001406808.1).
Identifiers: ClinVar variation 840685 (VCV000840685.9), dbSNP rs1670207159, ClinGen allele CA916080296.

ClinVar aggregate classification (germline): Uncertain significance (1 of 4 stars; one submission).

Conditions:
Hereditary nonpolyposis colorectal neoplasms. Identifiers: MedGen C0009405, MeSH D003123.

Submission:

Labcorp Genetics (formerly Invitae), Labcorp
Classification: Uncertain significance for Hereditary nonpolyposis colorectal neoplasms. Last evaluated: 2019-11-21. Review status: criteria provided, single submitter. Criteria: Invitae Variant Classification Sherloc (09022015). Collection method: clinical testing. Allele origin: germline.
Comment: This sequence change results in a premature translational stop signal in the MSH6 gene (p.Glu1335Glyfs*6). While this is not anticipated to result in nonsense mediated decay, it is expected to disrupt the last 26 amino acids of the MSH6 protein. This variant is not present in population databases (ExAC no frequency). This variant has not been reported in the literature in individuals with MSH6-related conditions. Experimental studies and prediction algorithms are not available or were not evaluated, and the functional significance of this variant is currently unknown. In summary, the available evidence is currently insufficient to determine the role of this variant in disease. Therefore, it has been classified as a Variant of Uncertain Significance.